The following is an entry in ClinVar:

ClinVar aggregate classification (germline): Uncertain significance (1 of 4 stars; one submission).

Allele frequency attached by ClinVar (database versions not stated): TOPMed below 0.00001; gnomAD exomes 0.00001; ExAC 0.00002.
gnomAD v4.1: 8 of 1,614,064 alleles (0.0005%); highest among the groups gnomAD compares: South Asian, 0.0011%; no homozygotes.

Submission:

Labcorp Genetics (formerly Invitae), Labcorp
Classification: Uncertain significance. Last evaluated: 2021-10-31. Review status: criteria provided, single submitter. Criteria: Invitae Variant Classification Sherloc (09022015). Collection method: clinical testing. Allele origin: germline.
Comment: This sequence change replaces isoleucine, which is neutral and non-polar, with valine, which is neutral and non-polar, at codon 3086 of the SPEG protein (p.Ile3086Val). In summary, the available evidence is currently insufficient to determine the role of this variant in disease. Therefore, it has been classified as a Variant of Uncertain Significance. Algorithms developed to predict the effect of missense changes on protein structure and function are either unavailable or do not agree on the potential impact of this missense change (SIFT: "Tolerated"; PolyPhen-2: "Probably Damaging"; Align-GVGD: "Class C0"). This variant has not been reported in the literature in individuals affected with SPEG-related conditions. This variant is present in population databases (rs756235150, gnomAD 0.003%).

NM_005876.5(SPEG):c.9256A>G (p.Ile3086Val)

Genes: ASIC4-AS1 (ASIC4 antisense RNA 1; minus strand), SPEG (striated muscle enriched protein kinase; plus strand). Cytogenetic location: 2q35.
Variant type: single nucleotide variant.
Coding change: c.9256A>G on transcript NM_005876.5 (MANE Select); coding-DNA position 9256, A replaced by G.
Protein change: p.Ile3086Val; replaces isoleucine 3086 with valine.
Molecular consequence: missense variant.
Genome position (GRCh38, 1-based): chr2:219,490,827, A>G. VCF-style: chr2-219490827-A-G. GRCh37 (hg19) VCF-style: chr2-220355549-A-G.
Other names: short protein forms I3086V.
Identifiers: ClinVar variation 1426952 (VCV001426952.6), dbSNP rs756235150, ClinGen allele CA2127713.